The following is an entry in ClinVar:

ClinVar aggregate classification (germline): Benign/Likely benign. Review status: criteria provided, multiple submitters, no conflicts (2 of 4 stars). 9 submissions from 9 submitters: Benign (5); Likely benign (4). Last evaluated 2026-01-17.

Conditions:
Familial hypercholesterolemia. Also called: Familial hypercholesterolemias; Familial hypercholesterolaemia. Identifiers: MedGen C0020445, MONDO:0005439.
Hypercholesterolemia, autosomal dominant, 3 (FHCL3). Also called: Familial Hypercholesterolemia, Autosomal Dominant, 3; PCSK9-Related Familial Hypercholesterolemia, Autosomal Dominant; Familial hypercholesterolemia 3. Identifiers: MedGen C1863551, MONDO:0011369, OMIM 603776.
Cardiovascular phenotype. Identifiers: MedGen CN230736.

Allele frequency attached by ClinVar (database versions not stated): ESP Exome Variant Server 0.00049; TOPMed 0.00049; ExAC 0.00091; 1000 Genomes Project 30x 0.00109; 1000 Genomes Project 0.00140; gnomAD exomes 0.00164 and 0.00261; gnomAD 0.00224 and 0.00238.
gnomAD v4.1: 2,591 of 1,548,338 alleles (0.17%); highest among the groups gnomAD compares: Non-Finnish European, 0.1%; 10 homozygotes.

Submissions (9):

Labcorp Genetics (formerly Invitae), Labcorp
Classification: Benign for Hypercholesterolemia, autosomal dominant, 3. Last evaluated: 2026-01-17. Review status: criteria provided, single submitter. Criteria: Invitae Variant Classification Sherloc (09022015). Collection method: clinical testing. Allele origin: germline.

ARUP Laboratories, Molecular Genetics and Genomics, ARUP Laboratories
Classification: Benign. Last evaluated: 2025-04-18. Review status: criteria provided, single submitter. Criteria: ARUP Molecular Germline Variant Investigation Process 2024. Collection method: clinical testing. Allele origin: germline.

Blueprint Genetics
Classification: Likely benign. Last evaluated: 2024-11-25. Review status: criteria provided, single submitter. Criteria: ACMG Guidelines, 2015. Collection method: clinical testing. Allele origin: germline.

Women's Health and Genetics/Laboratory Corporation of America, LabCorp
Classification: Benign. Last evaluated: 2022-07-30. Review status: criteria provided, single submitter. Criteria: LabCorp Variant Classification Summary - May 2015. Collection method: clinical testing. Allele origin: germline.

Fulgent Genetics
Classification: Likely benign for Hypercholesterolemia, autosomal dominant, 3. Last evaluated: 2021-08-02. Review status: criteria provided, single submitter. Criteria: ACMG Guidelines, 2015. Collection method: clinical testing. Allele origin: unknown.

GeneDx
Classification: Likely benign. Last evaluated: 2017-08-02. Review status: criteria provided, single submitter. Criteria: GeneDx Variant Classification (06012015). Collection method: clinical testing. Allele origin: germline. Affected: yes.
Comment: This variant is considered likely benign or benign based on one or more of the following criteria: it is a conservative change, it occurs at a poorly conserved position in the protein, it is predicted to be benign by multiple in silico algorithms, and/or has population frequency not consistent with disease.

Color Diagnostics, LLC DBA Color Health
Classification: Benign for Familial hypercholesterolemias. Last evaluated: 2017-07-06. Review status: criteria provided, single submitter. Criteria: ACMG Guidelines, 2015. Collection method: clinical testing. Allele origin: germline.

Ambry Genetics
Classification: Benign for Cardiovascular phenotype. Last evaluated: 2014-07-29. Review status: criteria provided, single submitter. Criteria: Ambry Variant Classification Scheme 2023. Collection method: clinical testing. Allele origin: germline.

PreventionGenetics, part of Exact Sciences
Classification: Likely benign. Review status: criteria provided, single submitter. Criteria: ACMG Guidelines, 2015. Collection method: clinical testing. Allele origin: germline.

NM_174936.4(PCSK9):c.1681+17G>A

Gene: PCSK9 (proprotein convertase subtilisin/kexin type 9; plus strand). Cytogenetic location: 1p32.3.
Variant type: single nucleotide variant.
Coding change: c.1681+17G>A on transcript NM_174936.4 (MANE Select); 17 bases into the intron after coding-DNA position 1681, G replaced by A.
Molecular consequence: intron variant.
Genome position (GRCh38, 1-based): chr1:55,059,680, G>A. VCF-style: chr1-55059680-G-A. GRCh37 (hg19) VCF-style: chr1-55525353-G-A.
Identifiers: ClinVar variation 262903 (VCV000262903.18), dbSNP rs200529774, ClinGen allele CA038331.